The following is an entry in ClinVar:

ClinVar aggregate classification (germline): Uncertain significance (1 of 4 stars; one submission).

gnomAD v4.1: 1 of 1,614,098 alleles (0.000062%); highest among the groups gnomAD compares: Admixed American, 0.0017%; no homozygotes.

Submission:

Laboratory for Molecular Medicine, Mass General Brigham Personalized Medicine
Classification: Uncertain significance. Last evaluated: 2015-07-26. Review status: criteria provided, single submitter. Criteria: LMM Criteria. Collection method: clinical testing. Allele origin: germline. Observed: 1 variant allele.
Comment: The c.6805+6T>A variant in USH2A has not been previously reported in individuals with hearing loss or in large population studies. This variant is located in th e 5' splice region. Computational tools do not suggest an impact to splicing; ho wever, this information is not predictive enough to rule out pathogenicity. In s ummary, the clinical significance of the c.6805+6T>A variant is uncertain.

NM_206933.4(USH2A):c.6805+6T>A

Gene: USH2A (usherin; minus strand). Cytogenetic location: 1q41.
Variant type: single nucleotide variant.
Coding change: c.6805+6T>A on transcript NM_206933.4 (MANE Select); 6 bases into the intron after coding-DNA position 6805, T replaced by A.
Molecular consequence: intron variant.
Genome position (GRCh38, 1-based): chr1:215,993,014, A>T on the plus strand (T>A on the coding strand, the complement: USH2A is on the minus strand). VCF-style: chr1-215993014-A-T. GRCh37 (hg19) VCF-style: chr1-216166356-A-T.
Identifiers: ClinVar variation 229625 (VCV000229625.5), dbSNP rs746355792, ClinGen allele CA10576380.
Genomic context (GRCh38, chr1:215,993,014, plus strand): 5'-CATTTAGAATATTAATTTACCTTTGCTAATCATCTTTTTAACTTGAGGCTAAAAGAGTTC[A>T]CTTACCATTCGGATATTCAGGCTCAGTCCAGGAGACATTAAAGGAGTCAGGTGAATATGA-3'